The following is an entry in ClinVar:

NM_024408.4(NOTCH2):c.853C>T (p.Arg285Cys)

Gene: NOTCH2 (notch receptor 2; minus strand). Cytogenetic location: 1p12.
Variant type: single nucleotide variant.
Coding change: c.853C>T on transcript NM_024408.4 (MANE Select); coding-DNA position 853, C replaced by T.
Protein change: p.Arg285Cys; replaces arginine 285 with cysteine.
Molecular consequence: missense variant.
Genome position (GRCh38, 1-based): chr1:119,986,981, G>A on the plus strand (C>T on the coding strand, the complement: NOTCH2 is on the minus strand). VCF-style: chr1-119986981-G-A. GRCh37 (hg19) VCF-style: chr1-120529604-G-A.
Other names: c.853C>T, p.Arg285Cys (NM_001200001.2); short protein forms R285C.
Identifiers: ClinVar variation 1199418 (VCV001199418.6), dbSNP rs142614610, ClinGen allele CA1040664.

ClinVar aggregate classification (germline): Uncertain significance. Review status: criteria provided, multiple submitters, no conflicts (2 of 4 stars). 2 submissions from 2 submitters: Uncertain significance (2). Last evaluated 2024-02-24.

Conditions:
Hajdu-Cheney syndrome (HJCYS). Also called: ACROOSTEOLYSIS WITH OSTEOPOROSIS AND CHANGES IN SKULL AND MANDIBLE; SERPENTINE FIBULA-POLYCYSTIC KIDNEY SYNDROME; Acroosteolysis dominant type. Identifiers: Orphanet 955, MedGen C0917715, MONDO:0007057, OMIM 102500.
Alagille syndrome due to a NOTCH2 point mutation. Also called: Alagille syndrome 2. Identifiers: Orphanet 261629, Orphanet 52, MedGen C1857761, MONDO:0012439, OMIM 610205.

Allele frequency attached by ClinVar (database versions not stated): TOPMed below 0.00001; ESP Exome Variant Server 0.00008.
gnomAD v4.1: 4 of 1,613,582 alleles (0.00025%); highest among the groups gnomAD compares: Non-Finnish European, 0.00034%; no homozygotes.

Submissions (2):

Labcorp Genetics (formerly Invitae), Labcorp
Classification: Uncertain significance for Hajdu-Cheney syndrome. Last evaluated: 2024-02-24. Review status: criteria provided, single submitter. Criteria: Invitae Variant Classification Sherloc (09022015). Collection method: clinical testing. Allele origin: germline.
Comment: This sequence change replaces arginine, which is basic and polar, with cysteine, which is neutral and slightly polar, at codon 285 of the NOTCH2 protein (p.Arg285Cys). This variant is present in population databases (rs142614610, gnomAD 0.0009%). This variant has not been reported in the literature in individuals affected with NOTCH2-related conditions. ClinVar contains an entry for this variant (Variation ID: 1199418). An algorithm developed to predict the effect of missense changes on protein structure and function (PolyPhen-2) suggests that this variant is likely to be disruptive. In summary, the available evidence is currently insufficient to determine the role of this variant in disease. Therefore, it has been classified as a Variant of Uncertain Significance.

HudsonAlpha Institute for Biotechnology
Classification: Uncertain significance for Alagille syndrome due to a NOTCH2 point mutation. Last evaluated: 2021-07-22. Review status: criteria provided, single submitter. Criteria: ACMG Guidelines, 2015. Collection method: research. Allele origin: de novo. Observed: 1 variant allele. Study: CSER-SouthSeq.
Comment: ACMG codes: PM2; PP3